The following is an entry in ClinVar:

NM_001134363.3(RBM20):c.409C>T (p.Leu137=)

Gene: RBM20 (RNA binding motif protein 20; plus strand). Cytogenetic location: 10q25.2.
Variant type: single nucleotide variant.
Coding change: c.409C>T on transcript NM_001134363.3 (MANE Select); coding-DNA position 409, C replaced by T.
Protein change: p.Leu137=; no amino-acid change (leucine 137 retained).
Molecular consequence: synonymous variant.
Genome position (GRCh38, 1-based): chr10:110,781,018, C>T. VCF-style: chr10-110781018-C-T. GRCh37 (hg19) VCF-style: chr10-112540776-C-T.
Identifiers: ClinVar variation 227894 (VCV000227894.9), dbSNP rs876657570, ClinGen allele CA10576758.

ClinVar aggregate classification (germline): Likely benign. Review status: criteria provided, multiple submitters, no conflicts (2 of 4 stars). 2 submissions from 2 submitters: Likely benign (2). Last evaluated 2024-11-12.

Conditions:
Dilated cardiomyopathy 1DD (CMD1DD). Identifiers: Orphanet 154, MedGen C2750995, MONDO:0013168, OMIM 613172.

Allele frequency attached by ClinVar (database versions not stated): gnomAD exomes below 0.00001; gnomAD 0.00002; TOPMed 0.00002.
gnomAD v4.1: 4 of 1,551,832 alleles (0.00026%); highest among the groups gnomAD compares: African/African-American, 0.0027%; no homozygotes.

Submissions (2):

Labcorp Genetics (formerly Invitae), Labcorp
Classification: Likely benign for Dilated cardiomyopathy 1DD. Last evaluated: 2024-11-12. Review status: criteria provided, single submitter. Criteria: Invitae Variant Classification Sherloc (09022015). Collection method: clinical testing. Allele origin: germline.

Laboratory for Molecular Medicine, Mass General Brigham Personalized Medicine
Classification: Likely benign. Last evaluated: 2015-05-16. Review status: criteria provided, single submitter. Criteria: LMM Criteria. Collection method: clinical testing. Allele origin: germline. Observed: 1 variant allele.
Comment: p.Leu137Leu in exon 2 of RBM20: This variant is not expected to have clinical si gnificance because it does not alter an amino acid residue and is not located wi thin the splice consensus sequence.